The following is an entry in ClinVar:

NM_003737.4(DCHS1):c.9113_9121del (p.Ala3038_Glu3040del)

Gene: DCHS1 (dachsous cadherin-related 1; minus strand). Cytogenetic location: 11p15.4.
Variant type: Deletion.
Coding change: c.9113_9121del on transcript NM_003737.4 (MANE Select); coding-DNA positions 9113 to 9121, 9 bases deleted (CTGCAGAGG; older notation c.9113_9121delCTGCAGAGG).
Protein change: p.Ala3038_Glu3040del.
Genome position (GRCh38, 1-based): chr11:6,622,555-6,622,563, CCTCTGCAG deleted on the plus strand (CTGCAGAGG on the coding strand, the reverse complement: DCHS1 is on the minus strand); deleting any 9 consecutive bases within chr11:6,622,555-6,622,570 gives the same sequence; the c. name uses the placement nearest the transcript's 3' end. VCF-style (leftmost placement, unchanged base first): chr11-6622554-TCCTCTGCAG-T. GRCh37 (hg19) VCF-style: chr11-6643785-TCCTCTGCAG-T.
Identifiers: ClinVar variation 3708609 (VCV003708609.2).

ClinVar aggregate classification (germline): Uncertain significance (1 of 4 stars; one submission).

Submission:

Labcorp Genetics (formerly Invitae), Labcorp
Classification: Uncertain significance. Last evaluated: 2024-03-31. Review status: criteria provided, single submitter. Criteria: Invitae Variant Classification Sherloc (09022015). Collection method: clinical testing. Allele origin: germline.
Comment: This variant, c.9113_9121del, results in the deletion of 3 amino acid(s) of the DCHS1 protein (p.Ala3038_Glu3040del), but otherwise preserves the integrity of the reading frame. This variant is present in population databases (no rsID available, gnomAD 0.001%). This variant has not been reported in the literature in individuals affected with DCHS1-related conditions. Experimental studies and prediction algorithms are not available or were not evaluated, and the functional significance of this variant is currently unknown. In summary, the available evidence is currently insufficient to determine the role of this variant in disease. Therefore, it has been classified as a Variant of Uncertain Significance.